The following is an entry in ClinVar:

ClinVar aggregate classification (germline): Uncertain significance (1 of 4 stars; one submission).

Submission:

Labcorp Genetics (formerly Invitae), Labcorp
Classification: Uncertain significance. Last evaluated: 2018-07-20. Review status: criteria provided, single submitter. Criteria: Invitae Variant Classification Sherloc (09022015). Collection method: clinical testing. Allele origin: germline.
Comment: In summary, the available evidence is currently insufficient to determine the role of this variant in disease. Therefore, it has been classified as a Variant of Uncertain Significance. This sequence change replaces threonine with alanine at codon 375 of the FH protein (p.Thr375Ala). The threonine residue is highly conserved and there is a small physicochemical difference between threonine and alanine. This variant is not present in population databases (ExAC no frequency). This variant has not been reported in the literature in individuals with FH-related disease. Algorithms developed to predict the effect of missense changes on protein structure and function (SIFT, PolyPhen-2, Align-GVGD) all suggest that this variant is likely to be disruptive, but these predictions have not been confirmed by published functional studies and their clinical significance is uncertain.

NM_000143.4(FH):c.1123A>G (p.Thr375Ala)

Gene: FH (fumarate hydratase; minus strand). Cytogenetic location: 1q43.
Variant type: single nucleotide variant.
Coding change: c.1123A>G on transcript NM_000143.4 (MANE Select); coding-DNA position 1123, A replaced by G.
Protein change: p.Thr375Ala; replaces threonine 375 with alanine.
Molecular consequence: missense variant.
Genome position (GRCh38, 1-based): chr1:241,502,556, T>C on the plus strand (A>G on the coding strand, the complement: FH is on the minus strand). VCF-style: chr1-241502556-T-C. GRCh37 (hg19) VCF-style: chr1-241665856-T-C.
Other names: short protein forms T375A.
Identifiers: ClinVar variation 643230 (VCV000643230.9), dbSNP rs1573879366, ClinGen allele CA345437634.